The following is an entry in ClinVar:

NM_139279.6(MCFD2):c.103del (p.Gln35fs)

Gene: MCFD2 (multiple coagulation factor deficiency 2, ER cargo receptor complex subunit; minus strand). Cytogenetic location: 2p21.
Variant type: Deletion.
Coding change: c.103del on transcript NM_139279.6 (MANE Select); coding-DNA position 103, one base deleted (C; older notation c.103delC).
Protein change: p.Gln35fs; shifts the reading frame from glutamine 35.
Molecular consequence: frameshift variant. On other transcripts: intron variant (3).
Genome position (GRCh38, 1-based): chr2:46,909,069, G deleted on the plus strand (C on the coding strand, the reverse complement: MCFD2 is on the minus strand); the first of 3 consecutive G bases (chr2:46,909,069-46,909,071); deleting any one gives the same sequence. VCF-style (leftmost placement, unchanged base first): chr2-46909068-TG-T. GRCh37 (hg19) VCF-style: chr2-47136207-TG-T.
Other names: c.103del, p.Gln35fs (NM_001171506.2, NM_001171507.2, NM_001171508.2); c.93-1100del (NM_001171511.3); c.-7-1100del (NM_001171510.3, NM_001171509.3); c.103del (NM_139279.5); c.103delC (NM_139279.5); short protein forms Q35fs.
Identifiers: ClinVar variation 2867 (VCV000002867.2), dbSNP rs1253799389, ClinGen allele CA532321646.

ClinVar aggregate classification (germline): Likely pathogenic. Review status: criteria provided, single submitter (1 of 4 stars). 2 submissions from 2 submitters: Likely pathogenic (1). 1 of the submissions does not count toward it. Last evaluated 2026-03-14.

Conditions:
Factor 5 and Factor VIII, combined deficiency of, 2. Identifiers: Orphanet 35909, MedGen C3150889, MONDO:0013331, OMIM 613625.

Submissions (2):

GeneDx
Classification: Likely pathogenic. Last evaluated: 2026-03-14. Review status: criteria provided, single submitter. Criteria: GeneDx Variant Classification Process June 2021. Collection method: clinical testing. Allele origin: germline.
Comment: Identified in a patient with Factor V and Factor VIII deficiency in published literature (PMID: 12717434); Published functional studies suggest a damaging effect resulting in no detectable via western blot analysis (PMID: 12717434); Frameshift variant predicted to result in protein truncation or nonsense mediated decay in a gene for which loss of function is a known mechanism of disease; Not observed at significant frequency in large population cohorts (gnomAD); This variant is associated with the following publications: (PMID: 12717434)

OMIM
Classification: Pathogenic for FACTOR V AND FACTOR VIII, COMBINED DEFICIENCY OF, 2. Last evaluated: 2003-06-01. Review status: no assertion criteria provided. Collection method: literature only. Allele origin: germline. Not counted in ClinVar's aggregate classification.

Literature cited by the submitters: PubMed 12717434 (cited by OMIM).